The following is an entry in ClinVar:

ClinVar aggregate classification (germline): Likely pathogenic (1 of 4 stars; one submission).

Submission:

CeGaT Center for Human Genetics Tuebingen
Classification: Likely pathogenic. Last evaluated: 2023-05-01. Review status: criteria provided, single submitter. Criteria: CeGaT Center For Human Genetics Tuebingen Variant Classification Criteria Version 2. Collection method: clinical testing. Allele origin: germline. Affected: yes. Observed: 2 variant alleles.
Comment: HSD17B4: PM2, PM3, PP3, PP4

NM_000414.4(HSD17B4):c.346T>C (p.Trp116Arg)

Gene: HSD17B4 (hydroxysteroid 17-beta dehydrogenase 4; plus strand). Cytogenetic location: 5q23.1.
Variant type: single nucleotide variant.
Coding change: c.346T>C on transcript NM_000414.4 (MANE Select); coding-DNA position 346, T replaced by C.
Protein change: p.Trp116Arg; replaces tryptophan 116 with arginine.
Molecular consequence: missense variant. On other transcripts: 5 prime UTR variant (5), non-coding transcript variant (2), intron variant (1).
Genome position (GRCh38, 1-based): chr5:119,475,867, T>C. VCF-style: chr5-119475867-T-C. GRCh37 (hg19) VCF-style: chr5-118811562-T-C.
Other names: c.421T>C, p.Trp141Arg (NM_001199291.3); c.292T>C, p.Trp98Arg (NM_001199292.2); c.274T>C, p.Trp92Arg (NM_001292027.2); c.-66T>C (NM_001292028.2, NM_001374501.1, NM_001374502.1 and 1 more transcripts); c.346T>C, p.Trp116Arg (NM_001374497.1, NM_001374498.1); c.-193T>C (NM_001374500.1); c.22+140T>C (NM_001374499.1); short protein forms W98R, W141R, W92R, W116R.
Identifiers: ClinVar variation 872348 (VCV000872348.41), dbSNP rs1748532789, ClinGen allele CA360865015.